The following is an entry in ClinVar:

NM_176820.4(NLRP9):c.2672+114C>T

Gene: NLRP9 (NLR family pyrin domain containing 9; minus strand). Cytogenetic location: 19q13.42.
Variant type: single nucleotide variant.
Coding change: c.2672+114C>T on transcript NM_176820.4 (MANE Select); 114 bases into the intron after coding-DNA position 2672, C replaced by T.
Molecular consequence: intron variant.
Genome position (GRCh38, 1-based): chr19:55,712,306, G>A on the plus strand (C>T on the coding strand, the complement: NLRP9 is on the minus strand). VCF-style: chr19-55712306-G-A. GRCh37 (hg19) VCF-style: chr19-56223672-G-A.
Identifiers: ClinVar variation 132881 (VCV000132881.2), dbSNP rs199476230, ClinGen allele CA231734.

ClinVar aggregate classification (germline): not provided (0 of 4 stars; one submission).

Allele frequency attached by ClinVar (database versions not stated): gnomAD 0.00014; TOPMed 0.00017.
gnomAD v4.1: 38 of 875,406 alleles (0.0043%); highest among the groups gnomAD compares: African/African-American, 0.042%; no homozygotes.

Submission:

Human Evolutionary Genetics, Institut Pasteur
No classification provided. Review status: no classification provided. Collection method: not provided. Allele origin: germline.
ClinVar note: Converted during submission from untested to not provided.